The following is an entry in ClinVar:

NM_022552.5(DNMT3A):c.1204C>G (p.Gln402Glu)

Gene: DNMT3A (DNA methyltransferase 3 alpha; minus strand). Cytogenetic location: 2p23.3.
Variant type: single nucleotide variant.
Coding change: c.1204C>G on transcript NM_022552.5 (MANE Select); coding-DNA position 1204, C replaced by G.
Protein change: p.Gln402Glu; replaces glutamine 402 with glutamic acid.
Molecular consequence: missense variant. On other transcripts: non-coding transcript variant (1).
Genome position (GRCh38, 1-based): chr2:25,246,695, G>C on the plus strand (C>G on the coding strand, the complement: DNMT3A is on the minus strand). VCF-style: chr2-25246695-G-C. GRCh37 (hg19) VCF-style: chr2-25469564-G-C.
Other names: c.748C>G, p.Gln250Glu (NM_001320893.1); c.535C>G, p.Gln179Glu (NM_001375819.1); c.637C>G, p.Gln213Glu (NM_153759.3); c.1204C>G, p.Gln402Glu (NM_175629.2); short protein forms Q213E, Q250E, Q402E, Q179E.
Identifiers: ClinVar variation 4243622 (VCV004243622.1).

ClinVar aggregate classification (germline): Uncertain significance (1 of 4 stars; one submission).

Conditions:
Inborn genetic diseases. Identifiers: MedGen C0950123, MeSH D030342.

Submission:

Ambry Genetics
Classification: Uncertain significance for Inborn genetic diseases. Last evaluated: 2025-08-22. Review status: criteria provided, single submitter. Criteria: Ambry Variant Classification Scheme 2023. Collection method: clinical testing. Allele origin: germline.
Comment: The p.Q402E variant (also known as c.1204C>G), located in coding exon 9 of the DNMT3A gene, results from a C to G substitution at nucleotide position 1204. The glutamine at codon 402 is replaced by glutamic acid, an amino acid with highly similar properties. This amino acid position is conserved. In addition, this alteration is predicted to be tolerated by in silico analysis. Based on the available evidence, the clinical significance of this variant remains unclear.